The following is an entry in ClinVar:

NM_002778.4(PSAP):c.865T>C (p.Ser289Pro)

Gene: PSAP (prosaposin; minus strand). Cytogenetic location: 10q22.1.
Variant type: single nucleotide variant.
Coding change: c.865T>C on transcript NM_002778.4 (MANE Select); coding-DNA position 865, T replaced by C.
Protein change: p.Ser289Pro; replaces serine 289 with proline.
Molecular consequence: missense variant.
Genome position (GRCh38, 1-based): chr10:71,821,920, A>G on the plus strand (T>C on the coding strand, the complement: PSAP is on the minus strand). VCF-style: chr10-71821920-A-G. GRCh37 (hg19) VCF-style: chr10-73581677-A-G.
Other names: c.874T>C, p.Ser292Pro (NM_001042465.3); c.871T>C, p.Ser291Pro (NM_001042466.3); short protein forms S291P, S289P, S292P.
Identifiers: ClinVar variation 1497700 (VCV001497700.3), dbSNP rs145404688, ClinGen allele CA5547588.

ClinVar aggregate classification (germline): Uncertain significance (1 of 4 stars; one submission).

Conditions:
Sphingolipid activator protein 1 deficiency. Also called: METACHROMATIC LEUKODYSTROPHY DUE TO CEREBROSIDE SULFATASE ACTIVATOR DEFICIENCY; Metachromatic leukodystrophy due to saposin B deficiency; Saposin B Deficiency. Identifiers: Orphanet 512, MedGen C0268262, MONDO:0009590, OMIM 249900.

Allele frequency attached by ClinVar (database versions not stated): ExAC 0.00002; gnomAD exomes 0.00002; TOPMed 0.00003; gnomAD 0.00006; ESP Exome Variant Server 0.00008.
gnomAD v4.1: 11 of 1,614,102 alleles (0.00068%); highest among the groups gnomAD compares: African/African-American, 0.015%; no homozygotes.

Submission:

Labcorp Genetics (formerly Invitae), Labcorp
Classification: Uncertain significance for Sphingolipid activator protein 1 deficiency. Last evaluated: 2022-02-03. Review status: criteria provided, single submitter. Criteria: Invitae Variant Classification Sherloc (09022015). Collection method: clinical testing. Allele origin: germline.
Comment: This sequence change replaces serine, which is neutral and polar, with proline, which is neutral and non-polar, at codon 289 of the PSAP protein (p.Ser289Pro). This variant is present in population databases (rs145404688, gnomAD 0.02%). This variant has not been reported in the literature in individuals affected with PSAP-related conditions. Algorithms developed to predict the effect of missense changes on protein structure and function are either unavailable or do not agree on the potential impact of this missense change (SIFT: "Not Available"; PolyPhen-2: "Benign"; Align-GVGD: "Not Available"). In summary, the available evidence is currently insufficient to determine the role of this variant in disease. Therefore, it has been classified as a Variant of Uncertain Significance.